The following is an entry in ClinVar:

ClinVar aggregate classification (germline): Likely pathogenic (1 of 4 stars; one submission).

Conditions:
Propionic acidemia (PROP). Also called: GLYCINEMIA, KETOTIC; HYPERGLYCINEMIA WITH KETOACIDOSIS AND LEUKOPENIA; KETOTIC HYPERGLYCINEMIA. Identifiers: Orphanet 35, MedGen C0268579, MONDO:0011628, OMIM 606054, HP:0003571.

Submission:

Labcorp Genetics (formerly Invitae), Labcorp
Classification: Likely pathogenic for Propionic acidemia. Last evaluated: 2019-10-09. Review status: criteria provided, single submitter. Criteria: Invitae Variant Classification Sherloc (09022015). Collection method: clinical testing. Allele origin: germline.
Comment: Donor and acceptor splice site variants typically lead to a loss of protein function (PMID: 16199547), and loss-of-function variants in PCCA are known to be pathogenic (PMID: 15464417). In summary, the currently available evidence indicates that the variant is pathogenic, but additional data are needed to prove that conclusively. Therefore, this variant has been classified as Likely Pathogenic. This variant is not present in population databases (ExAC no frequency). This sequence change affects a donor splice site in intron 8 of the PCCA gene. It is expected to disrupt RNA splicing and likely results in an absent or disrupted protein product. This variant has not been reported in the literature in individuals with PCCA-related conditions. Algorithms developed to predict the effect of sequence changes on RNA splicing suggest that this variant may disrupt the consensus splice site, but this prediction has not been confirmed by published transcriptional studies.

Literature cited by the submitters: PubMed 16199547; PubMed 15464417.

NM_000282.4(PCCA):c.637+1G>A

Gene: PCCA (propionyl-CoA carboxylase subunit alpha; plus strand). Cytogenetic location: 13q32.3.
Variant type: single nucleotide variant.
Coding change: c.637+1G>A on transcript NM_000282.4 (MANE Select); the canonical splice donor site of the intron after coding-DNA position 637, G replaced by A.
Molecular consequence: splice donor variant.
Genome position (GRCh38, 1-based): chr13:100,235,879, G>A. VCF-style: chr13-100235879-G-A. GRCh37 (hg19) VCF-style: chr13-100888133-G-A.
Other names: c.-230+1G>A (NM_001352611.2, NM_001352612.2, NM_001352610.2); c.559+1G>A (NM_001127692.3, NM_001352607.2, NM_001352608.2); c.637+1G>A (NM_001352609.2, NM_001178004.2, NM_001352605.2 and 1 more transcripts).
Identifiers: ClinVar variation 933980 (VCV000933980.8), dbSNP rs1265911468, ClinGen allele CA388694019.
Genomic context (GRCh38, chr13:100,235,879, plus strand): 5'-AGTCTCATTTCCTGCTTTTACAGGATGCAGAAGAAGCTGTCAGAATTGCAAGGGAAATTG[G>A]TAAGTCCTTAAATTAACTTTGGTAGGATTTCTGTGTCTTTCAGCAGATACGGTTGAGTCA-3'